The following is an entry in ClinVar:

ClinVar aggregate classification (germline): Uncertain significance (1 of 4 stars; one submission).

Submission:

GeneDx
Classification: Uncertain significance. Last evaluated: 2026-03-06. Review status: criteria provided, single submitter. Criteria: GeneDx Variant Classification Process June 2021. Collection method: clinical testing. Allele origin: germline.
Comment: Not observed at significant frequency in large population cohorts (gnomAD); In silico analysis suggests that this missense variant does not alter protein structure/function; Has not been previously published as pathogenic or benign to our knowledge

NM_015001.3(SPEN):c.10981A>G (p.Ile3661Val)

Gene: SPEN (spen family transcriptional repressor; plus strand). Cytogenetic location: 1p36.13.
Variant type: single nucleotide variant.
Coding change: c.10981A>G on transcript NM_015001.3 (MANE Select); coding-DNA position 10981, A replaced by G.
Protein change: p.Ile3661Val; replaces isoleucine 3661 with valine.
Molecular consequence: missense variant.
Genome position (GRCh38, 1-based): chr1:15,939,413, A>G. VCF-style: chr1-15939413-A-G. GRCh37 (hg19) VCF-style: chr1-16265908-A-G.
Other names: short protein forms I3661V.
Identifiers: ClinVar variation 5008578 (VCV005008578.1).
Genomic context (GRCh38, chr1:15,939,413, plus strand): 5'-CGCCTGGCCCCTGACCTCCTTGCCAGCATCTCCAACATCTCTCCCCACCTCATGATTGTC[A>G]TTGCCTCCGTGTGAGCCACTGAGTGGTTATCACCTCAGTGAATCTTCCCAGGGCTCTGCA-3'
Protein context (NP_055816.2, residues 3651-3664): SNISPHLMIV[Ile3661Val]ASV